The following is an entry in ClinVar:

NM_153646.4(SLC24A4):c.597G>A (p.Thr199=)

Gene: SLC24A4 (solute carrier family 24 member 4; plus strand). Cytogenetic location: 14q32.12.
Variant type: single nucleotide variant.
Coding change: c.597G>A on transcript NM_153646.4 (MANE Select); coding-DNA position 597, G replaced by A.
Protein change: p.Thr199=; no amino-acid change (threonine 199 retained).
Molecular consequence: synonymous variant.
Genome position (GRCh38, 1-based): chr14:92,443,414, G>A. VCF-style: chr14-92443414-G-A. GRCh37 (hg19) VCF-style: chr14-92909758-G-A.
Other names: c.597G>A, p.Thr199= (NM_001378620.1, NM_001425254.1, NM_153647.4); c.405G>A, p.Thr135= (NM_153648.4).
Identifiers: ClinVar variation 3046517 (VCV003046517.2), dbSNP rs747443233, ClinGen allele CA7315794.

ClinVar aggregate classification (germline): Likely benign (0 of 4 stars; one submission).

Conditions:
SLC24A4-related disorder. Also called: SLC24A4-related condition.

Allele frequency attached by ClinVar (database versions not stated): ExAC 0.00003.
gnomAD v4.1: 139 of 1,614,026 alleles (0.0086%); highest among the groups gnomAD compares: Non-Finnish European, 0.01%; no homozygotes.

Submission:

PreventionGenetics, part of Exact Sciences
Classification: Likely benign for SLC24A4-related condition. Last evaluated: 2023-05-31. Review status: no assertion criteria provided. Collection method: clinical testing. Allele origin: germline.
Comment: This variant is classified as likely benign based on ACMG/AMP sequence variant interpretation guidelines (Richards et al. 2015 PMID: 25741868, with internal and published modifications).